The following is an entry in ClinVar:

NM_006441.4(MTHFS):c.71T>C (p.Met24Thr)

Genes: MTHFS (methenyltetrahydrofolate synthetase; minus strand), ST20-MTHFS (ST20-MTHFS readthrough; minus strand). Cytogenetic location: 15q25.1.
Variant type: single nucleotide variant.
Coding change: c.71T>C on transcript NM_006441.4 (MANE Select); coding-DNA position 71, T replaced by C.
Protein change: p.Met24Thr; replaces methionine 24 with threonine.
Molecular consequence: missense variant. On other transcripts: non-coding transcript variant (1), intron variant (2).
Genome position (GRCh38, 1-based): chr15:79,896,918, A>G on the plus strand (T>C on the coding strand, the complement: MTHFS is on the minus strand). VCF-style: chr15-79896918-A-G. GRCh37 (hg19) VCF-style: chr15-80189260-A-G.
Other names: c.46-7564T>C (NM_001199760.2); c.-55+243T>C (NM_001199758.1); short protein forms M24T.
Identifiers: ClinVar variation 2022150 (VCV002022150.4), dbSNP rs896339718, ClinGen allele CA273996905.

ClinVar aggregate classification (germline): Uncertain significance (1 of 4 stars; one submission).

Allele frequency attached by ClinVar (database versions not stated): gnomAD exomes below 0.00001; gnomAD 0.00001; TOPMed 0.00002.

Submission:

Labcorp Genetics (formerly Invitae), Labcorp
Classification: Uncertain significance. Last evaluated: 2022-08-19. Review status: criteria provided, single submitter. Criteria: Invitae Variant Classification Sherloc (09022015). Collection method: clinical testing. Allele origin: germline.
Comment: This sequence change replaces methionine, which is neutral and non-polar, with threonine, which is neutral and polar, at codon 24 of the MTHFS protein (p.Met24Thr). This variant is present in population databases (no rsID available, gnomAD 0.002%). This variant has not been reported in the literature in individuals affected with MTHFS-related conditions. Algorithms developed to predict the effect of missense changes on protein structure and function are either unavailable or do not agree on the potential impact of this missense change (SIFT: "Deleterious"; PolyPhen-2: "Benign"; Align-GVGD: "Class C0"). In summary, the available evidence is currently insufficient to determine the role of this variant in disease. Therefore, it has been classified as a Variant of Uncertain Significance.